The following is an entry in ClinVar:

ClinVar aggregate classification (germline): Uncertain significance (1 of 4 stars; one submission).

Conditions:
Familial cylindromatosis. Also called: ANCELL-SPIEGLER CYLINDROMAS; Turban tumor syndrome. Identifiers: Orphanet 211, Orphanet 79493, MedGen C1851526, MONDO:0007565, OMIM 132700.

Submission:

Genomic Diagnostic Laboratory, Division of Genomic Diagnostics, Children's Hospital of Philadelphia
Classification: Uncertain significance for Cylindromatosis, familial. Last evaluated: 2016-09-23. Review status: criteria provided, single submitter. Criteria: DGD Variant Analysis Guidelines. Collection method: clinical testing. Allele origin: germline. Affected: yes. Observed: 1 variant allele.
Comment: Clinical Testing

NM_001378743.1(CYLD):c.2041G>C (p.Asp681His)

Genes: CYLD (CYLD lysine 63 deubiquitinase; plus strand), CYLD-AS2 (CYLD antisense RNA 2; minus strand). Cytogenetic location: 16q12.1.
Variant type: single nucleotide variant.
Coding change: c.2041G>C on transcript NM_001378743.1 (MANE Select); coding-DNA position 2041, G replaced by C.
Protein change: p.Asp681His; replaces aspartic acid 681 with histidine.
Molecular consequence: missense variant. On other transcripts: non-coding transcript variant (1).
Genome position (GRCh38, 1-based): chr16:50,786,946, G>C. VCF-style: chr16-50786946-G-C. GRCh37 (hg19) VCF-style: chr16-50820857-G-C.
Other names: c.2032G>C, p.Asp678His (NM_001042355.2, NM_001042412.3, NM_001378744.1 and 6 more transcripts); c.2002G>C, p.Asp668His (NM_001378751.1, NM_001378752.1, NM_001378753.1); c.1366G>C, p.Asp456His (NM_001378754.1, NM_001378755.1); c.2041G>C, p.Asp681His (NM_015247.3); short protein forms D681H, D678H, D456H, D668H.
Identifiers: ClinVar variation 267244 (VCV000267244.1), dbSNP rs886040883, ClinGen allele CA10590081.